The following is an entry in ClinVar:

NM_001287491.2(TET3):c.4472G>T (p.Gly1491Val)

Gene: TET3 (tet methylcytosine dioxygenase 3; plus strand). Cytogenetic location: 2p13.1.
Variant type: single nucleotide variant.
Coding change: c.4472G>T on transcript NM_001287491.2 (MANE Select); coding-DNA position 4472, G replaced by T.
Protein change: p.Gly1491Val; replaces glycine 1491 with valine.
Molecular consequence: missense variant.
Genome position (GRCh38, 1-based): chr2:74,101,260, G>T. VCF-style: chr2-74101260-G-T. GRCh37 (hg19) VCF-style: chr2-74328387-G-T.
Other names: c.4193G>T, p.Gly1398Val (NM_001366022.1); c.4067G>T, p.Gly1356Val (NM_144993.1); short protein forms G1356V, G1398V, G1491V.
Identifiers: ClinVar variation 1800514 (VCV001800514.1), dbSNP rs2528194364, ClinGen allele CA347320098.

ClinVar aggregate classification (germline): Uncertain significance (1 of 4 stars; one submission).

Submission:

GeneDx
Classification: Uncertain significance. Last evaluated: 2022-05-16. Review status: criteria provided, single submitter. Criteria: GeneDx Variant Classification Process June 2021. Collection method: clinical testing. Allele origin: germline. Affected: yes.
Comment: Not observed at significant frequency in large population cohorts (gnomAD); In silico analysis supports that this missense variant does not alter protein structure/function; Has not been previously published as pathogenic or benign to our knowledge